The following is an entry in ClinVar:

NM_000059.4(BRCA2):c.5926G>A (p.Gly1976Arg)

Gene: BRCA2 (BRCA2 DNA repair associated; plus strand). Cytogenetic location: 13q13.1.
Variant type: single nucleotide variant.
Coding change: c.5926G>A on transcript NM_000059.4 (MANE Select); coding-DNA position 5926, G replaced by A.
Protein change: p.Gly1976Arg; replaces glycine 1976 with arginine.
Molecular consequence: missense variant.
Genome position (GRCh38, 1-based): chr13:32,340,281, G>A. VCF-style: chr13-32340281-G-A. GRCh37 (hg19) VCF-style: chr13-32914418-G-A.
Other names: short protein forms G1976R.
Identifiers: ClinVar variation 188432 (VCV000188432.10), dbSNP rs786204277, ClinGen allele CA023376.

ClinVar aggregate classification (germline): Conflicting classifications of pathogenicity. Review status: criteria provided, conflicting classifications (1 of 4 stars). 3 submissions from 3 submitters: Uncertain significance (2); Likely benign (1). Last evaluated 2023-03-23.

Conditions:
Hereditary cancer-predisposing syndrome. Also called: Hereditary Cancer Syndrome; Neoplastic Syndromes, Hereditary; Hereditary neoplastic syndrome; Tumor predisposition. Identifiers: Orphanet 140162, MedGen C0027672, MeSH D009386, MONDO:0015356.
Hereditary breast ovarian cancer syndrome. Also called: Breast and ovarian cancer; Hereditary breast and ovarian cancer syndrome; Hereditary breast and/or ovarian cancer syndrome; BRCA1- and BRCA2-Associated Hereditary Breast and Ovarian Cancer; Hereditary breast and ovarian cancer; Hereditary breast and ovarian cancer syndrome (HBOC). Identifiers: Orphanet 145, MedGen C0677776, MeSH D061325, MONDO:0003582. Disease mechanism: loss of function.

Submissions (3):

University of Washington Department of Laboratory Medicine, University of Washington
Classification: Likely benign for Hereditary cancer-predisposing syndrome. Last evaluated: 2023-03-23. Review status: criteria provided, single submitter. Criteria: Dines et al. (Genet Med. 2020). Collection method: curation. Allele origin: germline.
Comment: Missense variant in a coldspot region where missense variants are very unlikely to be pathogenic (PMID:31911673).

BRCA2 exon 11 coldspot. Reclassification based on statistical prior probability.

Ambry Genetics
Classification: Uncertain significance for Hereditary cancer-predisposing syndrome. Last evaluated: 2021-11-05. Review status: criteria provided, single submitter. Criteria: Ambry Variant Classification Scheme 2023. Collection method: clinical testing. Allele origin: germline.
Comment: The p.G1976R variant (also known as c.5926G>A), located in coding exon 10 of the BRCA2 gene, results from a G to A substitution at nucleotide position 5926. The glycine at codon 1976 is replaced by arginine, an amino acid with dissimilar properties. This amino acid position is highly conserved in available vertebrate species. In addition, the in silico prediction for this alteration is inconclusive. Since supporting evidence is limited at this time, the clinical significance of this alteration remains unclear.

Labcorp Genetics (formerly Invitae), Labcorp
Classification: Uncertain significance for Hereditary breast ovarian cancer syndrome. Last evaluated: 2021-10-15. Review status: criteria provided, single submitter. Criteria: Invitae Variant Classification Sherloc (09022015). Collection method: clinical testing. Allele origin: germline.
Comment: Algorithms developed to predict the effect of sequence changes on RNA splicing suggest that this variant may create or strengthen a splice site. This sequence change replaces glycine with arginine at codon 1976 of the BRCA2 protein (p.Gly1976Arg). The glycine residue is highly conserved and there is a moderate physicochemical difference between glycine and arginine. This variant is not present in population databases (ExAC no frequency). This variant has not been reported in the literature in individuals affected with BRCA2-related conditions. Algorithms developed to predict the effect of missense changes on protein structure and function are either unavailable or do not agree on the potential impact of this missense change (SIFT: "Deleterious"; PolyPhen-2: "Possibly Damaging"; Align-GVGD: "Class C0"). In summary, the available evidence is currently insufficient to determine the role of this variant in disease. Therefore, it has been classified as a Variant of Uncertain Significance.